The following is an entry in ClinVar:

ClinVar aggregate classification (germline): Uncertain significance. Review status: criteria provided, multiple submitters, no conflicts (2 of 4 stars). 2 submissions from 2 submitters: Uncertain significance (2). Last evaluated 2021-12-16.

Conditions:
Donnai-Barrow syndrome. Also called: DBS/FOAR SYNDROME; FACIOOCULOACOUSTICORENAL SYNDROME. Identifiers: Orphanet 2143, MedGen C1857277, MONDO:0009104, OMIM 222448.
Inborn genetic diseases. Identifiers: MedGen C0950123, MeSH D030342.

Allele frequency attached by ClinVar (database versions not stated): TOPMed below 0.00001; ExAC 0.00001; gnomAD 0.00001; gnomAD exomes 0.00001.
gnomAD v4.1: 19 of 1,614,034 alleles (0.0012%); highest among the groups gnomAD compares: South Asian, 0.012%; no homozygotes.

Submissions (2):

Ambry Genetics
Classification: Uncertain significance for Inborn genetic diseases. Last evaluated: 2021-12-16. Review status: criteria provided, single submitter. Criteria: Ambry Variant Classification Scheme 2023. Collection method: clinical testing. Allele origin: germline.

New York Genome Center
Classification: Uncertain significance for Donnai-Barrow syndrome. Last evaluated: 2021-07-23. Review status: criteria provided, single submitter. Criteria: NYGC Assertion Criteria 2020. Collection method: clinical testing. Allele origin: inherited. Observed: 1 compound heterozygote. Study: CSER-NYCKidSeq.
Comment: The inherited heterozygous c.1709G>A (p.Arg570His) missense variant identified in the LRP2 gene has not been reported in affected individuals in the literature. The variant has 0.00001314 allele frequency in the gnomAD(v3) database (2 out of 152170 heterozygous alleles, no homozygotes) suggesting it is not a common benign variant in the populations represented in that database. The variant affects an evolutionarily conserved residue and is predicted deleterious by multiple in silico prediction tools (CADD score = 26.3, REVEL score = 0.700). Based on the available evidence, the inherited heterozygousc.1709G>A (p.Arg570His) missense variant identified in the LRP2 gene is reported as a variant of uncertain significance.

NM_004525.3(LRP2):c.1709G>A (p.Arg570His)

Gene: LRP2 (LDL receptor related protein 2; minus strand). Cytogenetic location: 2q31.1.
Variant type: single nucleotide variant.
Coding change: c.1709G>A on transcript NM_004525.3 (MANE Select); coding-DNA position 1709, G replaced by A.
Protein change: p.Arg570His; replaces arginine 570 with histidine.
Molecular consequence: missense variant.
Genome position (GRCh38, 1-based): chr2:169,277,808, C>T on the plus strand (G>A on the coding strand, the complement: LRP2 is on the minus strand). VCF-style: chr2-169277808-C-T. GRCh37 (hg19) VCF-style: chr2-170134318-C-T.
Other names: c.1709G>A (NM_004525.2); short protein forms R570H.
Identifiers: ClinVar variation 1679714 (VCV001679714.4), dbSNP rs770867082, ClinGen allele CA1955497.